The following is an entry in ClinVar:

ClinVar aggregate classification (germline): Likely pathogenic (1 of 4 stars; one submission).

Submission:

Labcorp Genetics (formerly Invitae), Labcorp
Classification: Likely pathogenic. Last evaluated: 2022-06-01. Review status: criteria provided, single submitter. Criteria: Invitae Variant Classification Sherloc (09022015). Collection method: clinical testing. Allele origin: germline.
Comment: This sequence change replaces glycine, which is neutral and non-polar, with serine, which is neutral and polar, at codon 1513 of the COL11A1 protein (p.Gly1513Ser). This variant is not present in population databases (gnomAD no frequency). This variant has not been reported in the literature in individuals affected with COL11A1-related conditions. Advanced modeling of protein sequence and biophysical properties (such as structural, functional, and spatial information, amino acid conservation, physicochemical variation, residue mobility, and thermodynamic stability) performed at Invitae indicates that this missense variant is expected to disrupt COL11A1 protein function. This variant disrupts the p.Gly1513Asp amino acid residue in COL11A1. Other variant(s) that disrupt this residue have been determined to be pathogenic (PMID: 20513134; Invitae). This suggests that this residue is clinically significant, and that variants that disrupt this residue are likely to be disease-causing. In summary, the currently available evidence indicates that the variant is pathogenic, but additional data are needed to prove that conclusively. Therefore, this variant has been classified as Likely Pathogenic.

Literature cited by the submitters: PubMed 20513134.

NM_001854.4(COL11A1):c.4537G>A (p.Gly1513Ser)

Gene: COL11A1 (collagen type XI alpha 1 chain; minus strand). Cytogenetic location: 1p21.1.
Variant type: single nucleotide variant.
Coding change: c.4537G>A on transcript NM_001854.4 (MANE Select); coding-DNA position 4537, G replaced by A.
Protein change: p.Gly1513Ser; replaces glycine 1513 with serine.
Molecular consequence: missense variant. On other transcripts: non-coding transcript variant (1).
Genome position (GRCh38, 1-based): chr1:102,888,740, C>T on the plus strand (G>A on the coding strand, the complement: COL11A1 is on the minus strand). VCF-style: chr1-102888740-C-T. GRCh37 (hg19) VCF-style: chr1-103354296-C-T.
Other names: c.4189G>A, p.Gly1397Ser (NM_001168249.1, NM_080630.4); c.4420G>A, p.Gly1474Ser (NM_001190709.2); c.4573G>A, p.Gly1525Ser (NM_080629.3); short protein forms G1397S, G1513S, G1474S, G1525S.
Identifiers: ClinVar variation 1986405 (VCV001986405.4), dbSNP rs2524244745, ClinGen allele CA341212414.